The following is an entry in ClinVar:

NM_001354768.3(NRL):c.326G>A (p.Gly109Glu)

Gene: NRL (neural retina leucine zipper; minus strand). Cytogenetic location: 14q11.2.
Variant type: single nucleotide variant.
Coding change: c.326G>A on transcript NM_001354768.3 (MANE Select); coding-DNA position 326, G replaced by A.
Protein change: p.Gly109Glu; replaces glycine 109 with glutamic acid.
Molecular consequence: missense variant. On other transcripts: intron variant (1).
Genome position (GRCh38, 1-based): chr14:24,082,523, C>T on the plus strand (G>A on the coding strand, the complement: NRL is on the minus strand). VCF-style: chr14-24082523-C-T. GRCh37 (hg19) VCF-style: chr14-24551732-C-T.
Other names: c.326G>A, p.Gly109Glu (NM_001354769.1, NM_006177.5); c.66+260G>A (NM_001354770.2); short protein forms G109E.
Identifiers: ClinVar variation 1480936 (VCV001480936.6), dbSNP rs2138874725, ClinGen allele CA389279647.

ClinVar aggregate classification (germline): Uncertain significance (1 of 4 stars; one submission).

Submission:

Labcorp Genetics (formerly Invitae), Labcorp
Classification: Uncertain significance. Last evaluated: 2022-11-01. Review status: criteria provided, single submitter. Criteria: Invitae Variant Classification Sherloc (09022015). Collection method: clinical testing. Allele origin: germline.
Comment: ClinVar contains an entry for this variant (Variation ID: 1480936). This variant has not been reported in the literature in individuals affected with NRL-related conditions. This variant is not present in population databases (gnomAD no frequency). This sequence change replaces glycine, which is neutral and non-polar, with glutamic acid, which is acidic and polar, at codon 109 of the NRL protein (p.Gly109Glu). In summary, the available evidence is currently insufficient to determine the role of this variant in disease. Therefore, it has been classified as a Variant of Uncertain Significance. Algorithms developed to predict the effect of missense changes on protein structure and function output the following: SIFT: "Tolerated"; PolyPhen-2: "Benign"; Align-GVGD: "Class C0". The glutamic acid amino acid residue is found in multiple mammalian species, which suggests that this missense change does not adversely affect protein function.